The following is an entry in ClinVar:

ClinVar aggregate classification (germline): Likely pathogenic (1 of 4 stars; one submission).

Conditions:
Congenital myasthenic syndrome 2C. Also called: Myasthenic syndrome, congenital, 2C, associated with acetylcholine receptor deficiency. Identifiers: Orphanet 590, MedGen C4225373, MONDO:0014582, OMIM 616314.

Submission:

Victorian Clinical Genetics Services, Murdoch Childrens Research Institute
Classification: Likely pathogenic for Congenital myasthenic syndrome 2C. Last evaluated: 2021-05-06. Review status: criteria provided, single submitter. Criteria: ACMG Guidelines, 2015. Collection method: clinical testing. Allele origin: germline. Inheritance: Autosomal recessive inheritance. Affected: yes.
Comment: Based on the classification scheme VCGS_Germline_v1.3.4, this variant is classified as Likely pathogenic. Following criteria are met: 0103 - Loss of function (LoF) and gain of function (GoF) are likely the mechanisms of disease in this gene and are associated with myasthenic syndrome. GoF is likely the mechanism for dominant myasthenic syndrome (MIM#616313) due to prolonged channel opening; LoF is a likely mechanism for the recessive myasthenic syndrome (MIM#616314) and congenital arthrogryposis due to reduced channel affinity and protein expression. (I) 0108 - This gene is associated with both recessive and dominant disease (OMIM). (I) 0205 - Variant is predicted to result in a truncated protein (premature termination codon is NOT located at least 54 nucleotides upstream of the final exon-exon junction) with less than 1/3 of the protein sequence affected. (SP) 0251 - This variant is heterozygous. (I) 0304 - Variant is present in gnomAD <0.01 for a recessive condition (2 heterozygotes, 0 homozygotes). (SP) 0600 - Variant is located in the annotated neurotransmitter-gated ion-channel transmembrane region (NCBI). (I) 0705 - No comparable truncating variants have previous evidence for pathogenicity. (I) 0807 - This variant has no previous evidence of pathogenicity. (I) 0905 - No published segregation evidence has been identified for this variant. (I) 1007 - No published functional evidence has been identified for this variant. (I) 1102 - Strong phenotype match for this individual. (SP) 1201 - Heterozygous variant detected in trans with a second pathogenic heterozygous variant (p.(Gly274Aspfs*41)) in a recessive disease. (I) Legend: (SP) - Supporting pathogenic, (I) - Information, (SB) - Supporting benign

NM_000747.3(CHRNB1):c.1435del (p.Thr479fs)

Gene: CHRNB1 (cholinergic receptor nicotinic beta 1 subunit; plus strand). Cytogenetic location: 17p13.1.
Variant type: Deletion.
Coding change: c.1435del on transcript NM_000747.3 (MANE Select); coding-DNA position 1435, one base deleted (A; older notation c.1435delA).
Protein change: p.Thr479fs; shifts the reading frame from threonine 479.
Molecular consequence: frameshift variant.
Genome position (GRCh38, 1-based): chr17:7,456,652, A deleted. VCF-style (leftmost placement, unchanged base first): chr17-7456651-CA-C. GRCh37 (hg19) VCF-style: chr17-7359970-CA-C.
Other names: short protein forms T479fs.
Identifiers: ClinVar variation 3377480 (VCV003377480.1).